The following is an entry in ClinVar:

ClinVar aggregate classification (germline): Benign/Likely benign. Review status: criteria provided, multiple submitters, no conflicts (2 of 4 stars). 5 submissions from 5 submitters: Benign (3); Likely benign (2). Last evaluated 2026-01-27.

Conditions:
Tumoral calcinosis, hyperphosphatemic, familial, 3. Identifiers: MedGen C4693864, MONDO:0060715, OMIM 617994.

Allele frequency attached by ClinVar (database versions not stated): ExAC 0.00925; 1000 Genomes Project 0.02736; gnomAD 0.02834 and 0.03076; 1000 Genomes Project 30x 0.02889; ESP Exome Variant Server 0.03222; TOPMed 0.03282; gnomAD exomes 0.00290 and 0.00776.
gnomAD v4.1: 8,746 of 1,614,124 alleles (0.54%); highest among the groups gnomAD compares: African/African-American, 9.9%; 371 homozygotes.

Submissions (5):

Labcorp Genetics (formerly Invitae), Labcorp
Classification: Benign. Last evaluated: 2026-01-27. Review status: criteria provided, single submitter. Criteria: Invitae Variant Classification Sherloc (09022015). Collection method: clinical testing. Allele origin: germline.

Mayo Clinic Laboratories, Mayo Clinic
Classification: Benign. Last evaluated: 2023-04-03. Review status: criteria provided, single submitter. Criteria: ACMG Guidelines, 2015. Collection method: clinical testing. Allele origin: germline. Observed: 4 variant alleles.

GeneDx
Classification: Benign. Last evaluated: 2021-05-04. Review status: criteria provided, single submitter. Criteria: GeneDx Variant Classification Process June 2021. Collection method: clinical testing. Allele origin: germline. Affected: yes.

Illumina Laboratory Services, Illumina
Classification: Likely benign for Tumoral calcinosis, hyperphosphatemic, familial, 3. Last evaluated: 2017-04-27. Review status: criteria provided, single submitter. Criteria: ICSL Variant Classification Criteria 13 December 2019. Collection method: clinical testing. Allele origin: germline.
Comment: This variant was observed as part of a predisposition screen in an ostensibly healthy population. A literature search was performed for the gene, cDNA change, and amino acid change (where applicable). No publications were found based on this search. Allele frequency data from public databases allowed determination this variant is unlikely to cause disease. Therefore, this variant is classified as likely benign.

Breakthrough Genomics
Classification: Likely benign. Review status: criteria provided, single submitter. Criteria: ACMG Guidelines, 2015. Collection method: not provided. Allele origin: germline. Inheritance: Autosomal recessive inheritance. Affected: yes.

NM_004795.4(KL):c.1593C>T (p.Tyr531=)

Gene: KL (klotho; plus strand). Cytogenetic location: 13q13.1.
Variant type: single nucleotide variant.
Coding change: c.1593C>T on transcript NM_004795.4 (MANE Select); coding-DNA position 1593, C replaced by T.
Protein change: p.Tyr531=; no amino-acid change (tyrosine 531 retained).
Molecular consequence: synonymous variant.
Genome position (GRCh38, 1-based): chr13:33,055,309, C>T. VCF-style: chr13-33055309-C-T. GRCh37 (hg19) VCF-style: chr13-33629446-C-T.
Other names: p.Tyr531=.
Identifiers: ClinVar variation 311696 (VCV000311696.18), dbSNP rs62637617, ClinGen allele CA6944123.